The following is an entry in ClinVar:

NM_020778.5(ALPK3):c.2451A>G (p.Arg817=)

Gene: ALPK3 (alpha kinase 3; plus strand). Cytogenetic location: 15q25.3.
Variant type: single nucleotide variant.
Coding change: c.2451A>G on transcript NM_020778.5 (MANE Select); coding-DNA position 2451, A replaced by G.
Protein change: p.Arg817=; no amino-acid change (arginine 817 retained).
Molecular consequence: synonymous variant.
Genome position (GRCh38, 1-based): chr15:84,857,189, A>G. VCF-style: chr15-84857189-A-G. GRCh37 (hg19) VCF-style: chr15-85400420-A-G.
Identifiers: ClinVar variation 1428741 (VCV001428741.12), dbSNP rs368549774, ClinGen allele CA7709416.
Genomic context (GRCh38, chr15:84,857,189, plus strand): 5'-CCTCATGCTCCCAGCACAGCCGCCCCATGAGGGGAGTGTGGAGCAGGTGGGAGGAGAGAG[A>G]TGCCGAGGGCCACAGTCATCAGGCCCAGTCGAGGCCAAGCAGGAGGACAGCCCGTTCCAG-3'
Protein context (NP_065829.4, residues 807-827): EGSVEQVGGE[Arg817=]CRGPQSSGPV

ClinVar aggregate classification (germline): Likely benign. Review status: criteria provided, multiple submitters, no conflicts (2 of 4 stars). 5 submissions from 5 submitters: Likely benign (4). 1 of the submissions does not count toward it. Last evaluated 2026-01-06.

Conditions:
ALPK3-related disorder. Also called: ALPK3-related condition.
Cardiovascular phenotype. Identifiers: MedGen CN230736.

Allele frequency attached by ClinVar (database versions not stated): ExAC 0.00006; gnomAD exomes 0.00008; TOPMed 0.00009; gnomAD 0.00012 and 0.00013; ESP Exome Variant Server 0.00015.
gnomAD v4.1: 406 of 1,613,520 alleles (0.025%); highest among the groups gnomAD compares: Non-Finnish European, 0.033%; 1 homozygote.

Submissions (5):

Labcorp Genetics (formerly Invitae), Labcorp
Classification: Likely benign. Last evaluated: 2026-01-06. Review status: criteria provided, single submitter. Criteria: Invitae Variant Classification Sherloc (09022015). Collection method: clinical testing. Allele origin: germline.

Women's Health and Genetics/Laboratory Corporation of America, LabCorp
Classification: Likely benign. Last evaluated: 2025-03-17. Review status: criteria provided, single submitter. Criteria: LabCorp Variant Classification Summary - May 2015. Collection method: clinical testing. Allele origin: germline.

Blueprint Genetics
Classification: Likely benign. Last evaluated: 2024-09-05. Review status: criteria provided, single submitter. Criteria: ACMG Guidelines, 2015. Collection method: clinical testing. Allele origin: germline.

Ambry Genetics
Classification: Likely benign for Cardiovascular phenotype. Last evaluated: 2019-09-08. Review status: criteria provided, single submitter. Criteria: Ambry Variant Classification Scheme 2023. Collection method: clinical testing. Allele origin: germline.

PreventionGenetics, part of Exact Sciences
Classification: Likely benign for ALPK3-related condition. Last evaluated: 2020-09-04. Review status: no assertion criteria provided. Collection method: clinical testing. Allele origin: germline. Not counted in ClinVar's aggregate classification.
Comment: This variant is classified as likely benign based on ACMG/AMP sequence variant interpretation guidelines (Richards et al. 2015 PMID: 25741868, with internal and published modifications).